The following is an entry in ClinVar:

NM_031935.3(HMCN1):c.13968C>T (p.Ser4656=)

Gene: HMCN1 (hemicentin 1; plus strand). Cytogenetic location: 1q31.1.
Variant type: single nucleotide variant.
Coding change: c.13968C>T on transcript NM_031935.3 (MANE Select); coding-DNA position 13968, C replaced by T.
Protein change: p.Ser4656=; no amino-acid change (serine 4656 retained).
Molecular consequence: synonymous variant.
Genome position (GRCh38, 1-based): chr1:186,144,216, C>T. VCF-style: chr1-186144216-C-T. GRCh37 (hg19) VCF-style: chr1-186113348-C-T.
Identifiers: ClinVar variation 294272 (VCV000294272.14), dbSNP rs3737942, ClinGen allele CA1294829.

ClinVar aggregate classification (germline): Benign. Review status: criteria provided, multiple submitters, no conflicts (2 of 4 stars). 4 submissions from 4 submitters: Benign (4). Last evaluated 2026-02-01.

Conditions:
Age related macular degeneration 1 (ARMD1). Also called: MACULOPATHY, AGE-RELATED, 1. Identifiers: MedGen C1864205, MONDO:0011285, OMIM 603075.

Allele frequency attached by ClinVar (database versions not stated): gnomAD exomes 0.03999; 1000 Genomes Project 0.04014; ESP Exome Variant Server 0.00269; gnomAD 0.01641 and 0.01470; 1000 Genomes Project 30x 0.04122; TOPMed 0.02670.
gnomAD v4.1: 18,442 of 1,610,976 alleles (1.1%); highest among the groups gnomAD compares: Admixed American, 17%; 1,333 homozygotes.

Submissions (4):

Labcorp Genetics (formerly Invitae), Labcorp
Classification: Benign. Last evaluated: 2026-02-01. Review status: criteria provided, single submitter. Criteria: Invitae Variant Classification Sherloc (09022015). Collection method: clinical testing. Allele origin: germline.

Genome-Nilou Lab
Classification: Benign for Age related macular degeneration 1. Last evaluated: 2023-04-11. Review status: criteria provided, single submitter. Criteria: ACMG Guidelines, 2015. Collection method: clinical testing. Allele origin: germline. Affected: no.

Illumina Laboratory Services, Illumina
Classification: Benign for Age related macular degeneration 1. Last evaluated: 2018-01-13. Review status: criteria provided, single submitter. Criteria: ICSL Variant Classification Criteria 13 December 2019. Collection method: clinical testing. Allele origin: germline.
Comment: This variant was observed in the ICSL laboratory as part of a predisposition screen in an ostensibly healthy population. It had not been previously curated by ICSL or reported in the Human Gene Mutation Database (HGMD: prior to June 1st, 2018), and was therefore a candidate for classification through an automated scoring system. Utilizing variant allele frequency, disease prevalence and penetrance estimates, and inheritance mode, an automated score was calculated to assess if this variant is too frequent to cause the disease. Based on the score and internal cut-off values, a variant classified as benign is not then subjected to further curation. The score for this variant resulted in a classification of benign for this disease.

Breakthrough Genomics
Classification: Benign. Review status: criteria provided, single submitter. Criteria: ACMG Guidelines, 2015. Collection method: not provided. Allele origin: germline. Inheritance: Autosomal dominant inheritance. Affected: yes.